The following is an entry in ClinVar:

ClinVar aggregate classification (germline): Uncertain significance (1 of 4 stars; one submission).

Conditions:
Cerebellar dysfunction with variable cognitive and behavioral abnormalities (CECBA). Also called: Nonprogressive cerebellar atxia with intellectual disability. Identifiers: Orphanet 314647, MedGen C3553661, MONDO:0013886, OMIM 614756.

Submission:

Victorian Clinical Genetics Services, Murdoch Childrens Research Institute
Classification: Uncertain significance for Cerebellar dysfunction with variable cognitive and behavioral abnormalities. Last evaluated: 2026-05-04. Review status: criteria provided, single submitter. Criteria: ACMG Guidelines, 2015. Collection method: clinical testing. Allele origin: germline. Affected: yes.
Comment: This variant is classified as VUS-3A. Evidence in support of pathogenic classification: Variant is predicted to result in a truncated protein (premature termination codon is located within the first 102 nucleotides of the coding sequence and is predicted to escape nonsense-mediated decay); Variant is absent from gnomAD (v2, v3 and v4); Additional information: This variant is non-coding in an alternative transcript. This variant is coding in multiple transcripts, including the MANE select transcript NM_015215.4; however, it is non-coding in many shorter transcripts. In addition, this nucleotide change is coding as p.(Ala2Thr) in two transcripts which use an alternate reading frame; This variant is heterozygous; This gene is associated with autosomal dominant disease; This variant has no previous evidence of pathogenicity; No published evidence of segregation with disease has been identified for this variant; No published functional evidence has been identified for this variant; No comparable protein truncating variants have previous evidence for pathogenicity; Loss of function is a known mechanism of disease in this gene and is associated with cerebellar dysfunction with variable cognitive and behavioural abnormalities (MIM#614756); Variants in this gene are known to have variable expressivity (OMIM).

NM_015215.4(CAMTA1):c.24G>A (p.Trp8Ter)

Gene: CAMTA1 (calmodulin binding transcription activator 1; plus strand). Cytogenetic location: 1p36.31.
Variant type: single nucleotide variant.
Coding change: c.24G>A on transcript NM_015215.4 (MANE Select); coding-DNA position 24, G replaced by A.
Protein change: p.Trp8Ter; replaces tryptophan 8 with a stop codon.
Molecular consequence: nonsense. On other transcripts: missense variant (2), non-coding transcript variant (4).
Genome position (GRCh38, 1-based): chr1:6,785,554, G>A. VCF-style: chr1-6785554-G-A. GRCh37 (hg19) VCF-style: chr1-6845614-G-A.
Other names: c.24G>A, p.Trp8Ter (NM_001195563.2, NM_001242701.2, NM_001349609.2 and 4 more transcripts); c.4G>A, p.Ala2Thr (NM_001349608.2, NM_001349612.2); short protein forms A2T, W8*.
Identifiers: ClinVar variation 4879637 (VCV004879637.1).